The following is an entry in ClinVar:

NM_000497.4(CYP11B1):c.1100C>T (p.Ala367Val)

Genes: CYP11B1 (cytochrome P450 family 11 subfamily B member 1; minus strand), LOC106799833 (CYP11B1 recombination region; plus strand). Cytogenetic location: 8q24.3.
Variant type: single nucleotide variant.
Coding change: c.1100C>T on transcript NM_000497.4 (MANE Select); coding-DNA position 1100, C replaced by T.
Protein change: p.Ala367Val; replaces alanine 367 with valine.
Molecular consequence: missense variant.
Genome position (GRCh38, 1-based): chr8:142,875,733, G>A on the plus strand (C>T on the coding strand, the complement: CYP11B1 is on the minus strand). VCF-style: chr8-142875733-G-A. GRCh37 (hg19) VCF-style: chr8-143957149-G-A.
Other names: c.1100C>T, p.Ala367Val (NM_001026213.1); short protein forms A367V.
Identifiers: ClinVar variation 2040912 (VCV002040912.2), dbSNP rs1158616210, ClinGen allele CA372393530.

ClinVar aggregate classification (germline): Uncertain significance. Review status: criteria provided, multiple submitters, no conflicts (2 of 4 stars). 2 submissions from 2 submitters: Uncertain significance (2). Last evaluated 2022-09-09.

Conditions:
Inborn genetic diseases. Identifiers: MedGen C0950123, MeSH D030342.

Allele frequency attached by ClinVar (database versions not stated): gnomAD exomes 0.00001; TOPMed 0.00001.

Submissions (2):

Labcorp Genetics (formerly Invitae), Labcorp
Classification: Uncertain significance. Last evaluated: 2022-09-09. Review status: criteria provided, single submitter. Criteria: Invitae Variant Classification Sherloc (09022015). Collection method: clinical testing. Allele origin: germline.
Comment: This sequence change replaces alanine, which is neutral and non-polar, with valine, which is neutral and non-polar, at codon 367 of the CYP11B1 protein (p.Ala367Val). This variant is present in population databases (no rsID available, gnomAD 0.002%). This variant has not been reported in the literature in individuals affected with CYP11B1-related conditions. Advanced modeling of protein sequence and biophysical properties (such as structural, functional, and spatial information, amino acid conservation, physicochemical variation, residue mobility, and thermodynamic stability) has been performed at Invitae for this missense variant, however the output from this modeling did not meet the statistical confidence thresholds required to predict the impact of this variant on CYP11B1 protein function. In summary, the available evidence is currently insufficient to determine the role of this variant in disease. Therefore, it has been classified as a Variant of Uncertain Significance.

Ambry Genetics
Classification: Uncertain significance for Inborn genetic diseases. Last evaluated: 2022-05-11. Review status: criteria provided, single submitter. Criteria: Ambry Variant Classification Scheme 2023. Collection method: clinical testing. Allele origin: germline.